The following is an entry in ClinVar:

ClinVar aggregate classification (germline): Uncertain significance. Review status: criteria provided, multiple submitters, no conflicts (2 of 4 stars). 3 submissions from 3 submitters: Uncertain significance (3). Last evaluated 2025-01-20.

Conditions:
Duchenne muscular dystrophy (DMD). Also called: MUSCULAR DYSTROPHY, PSEUDOHYPERTROPHIC PROGRESSIVE, DUCHENNE TYPE; Duchenne Muscular Dystrophy (DMD). Identifiers: Orphanet 98896, MedGen C0013264, MONDO:0010679, OMIM 310200.

Submissions (3):

3billion
Classification: Uncertain significance for Duchenne muscular dystrophy. Last evaluated: 2025-01-20. Review status: criteria provided, single submitter. Criteria: ACMG Guidelines, 2015. Collection method: clinical testing. Allele origin: germline. Affected: yes.
Comment: The variant is not observed in the gnomAD v4.1.0 dataset. Predicted Consequence/Location: Missense variant. The majority of the known disease-causing variants of this gene are variants expected to result in premature termination of the protein. In silico tool predictions suggest damaging effect of the variant on gene or gene product [REVEL: 0.92 (>=0.6, sensitivity 0.68 and specificity 0.92)]. A different missense change at the same codon (p.Gly47Arg) has been reported to be associated with DMD-related disorder (PMID: 27122458). Therefore, this variant is classified as VUS according to the recommendation of ACMG/AMP guideline.

Labcorp Genetics (formerly Invitae), Labcorp
Classification: Uncertain significance for Duchenne muscular dystrophy. Last evaluated: 2021-12-08. Review status: criteria provided, single submitter. Criteria: Invitae Variant Classification Sherloc (09022015). Collection method: clinical testing. Allele origin: germline.
Comment: This variant is not present in population databases (gnomAD no frequency). This sequence change replaces glycine, which is neutral and non-polar, with tryptophan, which is neutral and slightly polar, at codon 47 of the DMD protein (p.Gly47Trp). This missense change has been observed in individual(s) with DMD-related muscular dystrophy (Invitae). In summary, the available evidence is currently insufficient to determine the role of this variant in disease. Therefore, it has been classified as a Variant of Uncertain Significance. This variant disrupts the p.Gly47 amino acid residue in DMD. Other variant(s) that disrupt this residue have been observed in individuals with DMD-related conditions (PMID: 27122458), which suggests that this may be a clinically significant amino acid residue. Algorithms developed to predict the effect of missense changes on protein structure and function (SIFT, PolyPhen-2, Align-GVGD) all suggest that this variant is likely to be disruptive. ClinVar contains an entry for this variant (Variation ID: 447253).

Athena Diagnostics
Classification: Uncertain significance. Last evaluated: 2018-01-22. Review status: criteria provided, single submitter. Criteria: Athena Diagnostics Criteria. Collection method: clinical testing. Allele origin: germline.

Literature cited by the submitters: PubMed 27122458 (cited by 3billion and Labcorp Genetics (formerly Invitae), Labcorp).

NM_004006.3(DMD):c.139G>T (p.Gly47Trp)

Gene: DMD (dystrophin; minus strand). Cytogenetic location: Xp21.1.
Variant type: single nucleotide variant.
Coding change: c.139G>T on transcript NM_004006.3 (MANE Select); coding-DNA position 139, G replaced by T.
Protein change: p.Gly47Trp; replaces glycine 47 with tryptophan.
Molecular consequence: missense variant. On other transcripts: 5 prime UTR variant (1).
Genome position (GRCh38, 1-based): chrX:32,849,775, C>A on the plus strand (G>T on the coding strand, the complement: DMD is on the minus strand). VCF-style: chrX-32849775-C-A. GRCh37 (hg19) VCF-style: chrX-32867892-C-A.
Other names: c.115G>T, p.Gly39Trp (NM_000109.4); c.127G>T, p.Gly43Trp (NM_004009.3); c.-231G>T (NM_004010.3); short protein forms G47W, G39W, G43W.
Identifiers: ClinVar variation 447253 (VCV000447253.10), dbSNP rs1557084183, ClinGen allele CA412674903.